The following is an entry in ClinVar:

ClinVar aggregate classification (germline): Uncertain significance. Review status: criteria provided, multiple submitters, no conflicts (2 of 4 stars). 3 submissions from 3 submitters: Uncertain significance (3). Last evaluated 2025-04-28.

Conditions:
Inborn genetic diseases. Identifiers: MedGen C0950123, MeSH D030342.

Allele frequency attached by ClinVar (database versions not stated): TOPMed 0.00006; ESP Exome Variant Server 0.00008; gnomAD 0.00009 and 0.00010; gnomAD exomes 0.00014; 1000 Genomes Project 30x 0.00016; 1000 Genomes Project 0.00020.
gnomAD v4.1: 142 of 1,576,350 alleles (0.009%); highest among the groups gnomAD compares: Non-Finnish European, 0.0083%; no homozygotes.

Submissions (3):

Labcorp Genetics (formerly Invitae), Labcorp
Classification: Uncertain significance. Last evaluated: 2025-04-28. Review status: criteria provided, single submitter. Criteria: Invitae Variant Classification Sherloc (09022015). Collection method: clinical testing. Allele origin: germline.
Comment: This sequence change replaces arginine, which is basic and polar, with glutamine, which is neutral and polar, at codon 1012 of the ARHGEF18 protein (p.Arg1012Gln). This variant is present in population databases (rs200698423, gnomAD 0.03%). This variant has not been reported in the literature in individuals affected with ARHGEF18-related conditions. ClinVar contains an entry for this variant (Variation ID: 964100). An algorithm developed to predict the effect of missense changes on protein structure and function (PolyPhen-2) suggests that this variant is likely to be disruptive. In summary, the available evidence is currently insufficient to determine the role of this variant in disease. Therefore, it has been classified as a Variant of Uncertain Significance.

Blueprint Genetics
Classification: Uncertain significance. Last evaluated: 2024-11-06. Review status: criteria provided, single submitter. Criteria: ACMG Guidelines, 2015. Collection method: clinical testing. Allele origin: germline.

Ambry Genetics
Classification: Uncertain significance for Inborn genetic diseases. Last evaluated: 2021-09-15. Review status: criteria provided, single submitter. Criteria: Ambry Variant Classification Scheme 2023. Collection method: clinical testing. Allele origin: germline.

NM_001367823.1(ARHGEF18):c.3599G>A (p.Arg1200Gln)

Gene: ARHGEF18 (Rho/Rac guanine nucleotide exchange factor 18; plus strand). Cytogenetic location: 19p13.2.
Variant type: single nucleotide variant.
Coding change: c.3599G>A on transcript NM_001367823.1 (MANE Select); coding-DNA position 3599, G replaced by A.
Protein change: p.Arg1200Gln; replaces arginine 1200 with glutamine.
Molecular consequence: missense variant.
Genome position (GRCh38, 1-based): chr19:7,468,943, G>A. VCF-style: chr19-7468943-G-A. GRCh37 (hg19) VCF-style: chr19-7533829-G-A.
Other names: c.2873G>A, p.Arg958Gln (NM_001130955.2); c.2561G>A, p.Arg854Gln (NM_001367824.1, NM_015318.4); short protein forms R854Q, R1200Q, R958Q.
Identifiers: ClinVar variation 964100 (VCV000964100.8), dbSNP rs200698423, ClinGen allele CA9137185.